The following is an entry in ClinVar:

ClinVar aggregate classification (germline): Uncertain significance. Review status: criteria provided, multiple submitters, no conflicts (2 of 4 stars). 3 submissions from 3 submitters: Uncertain significance (3). Last evaluated 2025-07-14.

Conditions:
TUB-related disorder. Also called: TUB-related condition.

gnomAD v4.1: 18 of 1,614,098 alleles (0.0011%); highest among the groups gnomAD compares: Non-Finnish European, 0.00025%; no homozygotes.

Submissions (3):

PreventionGenetics, part of Exact Sciences
Classification: Uncertain significance for TUB-related condition. Last evaluated: 2025-07-14. Review status: criteria provided, single submitter. Criteria: ACMG Guidelines, 2015. Collection method: clinical testing. Allele origin: germline.
Comment: The TUB c.243G>C variant is predicted to result in the amino acid substitution p.Lys81Asn. To our knowledge, this variant has not been reported in the literature. This variant is reported in 0.028% of alleles in individuals of European (Finnish) descent in gnomAD. At this time, the clinical significance of this variant is uncertain due to the absence of conclusive functional and genetic evidence.

Labcorp Genetics (formerly Invitae), Labcorp
Classification: Uncertain significance. Last evaluated: 2022-03-11. Review status: criteria provided, single submitter. Criteria: Invitae Variant Classification Sherloc (09022015). Collection method: clinical testing. Allele origin: germline.
Comment: Algorithms developed to predict the effect of missense changes on protein structure and function are either unavailable or do not agree on the potential impact of this missense change (SIFT: "Tolerated"; PolyPhen-2: "Probably Damaging"; Align-GVGD: "Class C0"). In summary, the available evidence is currently insufficient to determine the role of this variant in disease. Therefore, it has been classified as a Variant of Uncertain Significance. This variant has not been reported in the literature in individuals affected with TUB-related conditions. This variant is present in population databases (rs61733960, gnomAD 0.03%). This sequence change replaces lysine, which is basic and polar, with asparagine, which is neutral and polar, at codon 81 of the TUB protein (p.Lys81Asn).

Ambry Genetics
Classification: Uncertain significance. Last evaluated: 2022-02-17. Review status: criteria provided, single submitter. Criteria: Ambry Variant Classification Scheme 2023. Collection method: clinical testing. Allele origin: germline.

NM_177972.3(TUB):c.78G>C (p.Lys26Asn)

Gene: TUB (TUB bipartite transcription factor; plus strand). Cytogenetic location: 11p15.4.
Variant type: single nucleotide variant.
Coding change: c.78G>C on transcript NM_177972.3 (MANE Select); coding-DNA position 78, G replaced by C.
Protein change: p.Lys26Asn; replaces lysine 26 with asparagine.
Molecular consequence: missense variant.
Genome position (GRCh38, 1-based): chr11:8,089,649, G>C. VCF-style: chr11-8089649-G-C. GRCh37 (hg19) VCF-style: chr11-8111196-G-C.
Other names: c.243G>C, p.Lys81Asn (NM_003320.5); short protein forms K81N, K26N.
Identifiers: ClinVar variation 2109369 (VCV002109369.4), dbSNP rs61733960, ClinGen allele CA5870936.
Genomic context (GRCh38, chr11:8,089,649, plus strand): 5'-AACCCCTCTTTCGCTCTGCAGTGTCTTAGATGATGAGGGCAGAAACCTGAGGCAGCAGAA[G>C]CTTGATCGGCAGGTGAGTAGGCCTGGGGCCGGGTAGAAGGGAAGAGTCTGGGCTGGGATC-3'
Protein context (NP_813977.1, residues 16-36): DDEGRNLRQQ[Lys26Asn]LDRQRALLEQ